The following is an entry in ClinVar:

NM_000069.3(CACNA1S):c.3908A>G (p.Asn1303Ser)

Gene: CACNA1S (calcium voltage-gated channel subunit alpha1 S; minus strand). Cytogenetic location: 1q32.1.
Variant type: single nucleotide variant.
Coding change: c.3908A>G on transcript NM_000069.3 (MANE Select); coding-DNA position 3908, A replaced by G.
Protein change: p.Asn1303Ser; replaces asparagine 1303 with serine.
Molecular consequence: missense variant.
Genome position (GRCh38, 1-based): chr1:201,052,602, T>C on the plus strand (A>G on the coding strand, the complement: CACNA1S is on the minus strand). VCF-style: chr1-201052602-T-C. GRCh37 (hg19) VCF-style: chr1-201021730-T-C.
Other names: c.3908A>G (NM_000069.2); short protein forms N1303S.
Identifiers: ClinVar variation 2142793 (VCV002142793.6), dbSNP rs996499259, ClinGen allele CA36002188.

ClinVar aggregate classification (germline): Uncertain significance. Review status: criteria provided, multiple submitters, no conflicts (2 of 4 stars). 3 submissions from 3 submitters: Uncertain significance (3). Last evaluated 2024-12-11.

Conditions:
Hypokalemic periodic paralysis, type 1. Also called: HypoPP; Hypokalemic Periodic Paralysis Type 1 (AD). Identifiers: Orphanet 681, MedGen C3714580, MONDO:0042979, OMIM 170400.
Malignant hyperthermia, susceptibility to, 5 (MHS5). Also called: CACNA1S-Related Malignant Hyperthermia Susceptibility. Identifiers: Orphanet 423, MedGen C1866077, MONDO:0011163, OMIM 601887.
Thyrotoxic periodic paralysis, susceptibility to, 1 (TTPP1). Identifiers: Orphanet 79102, MedGen C2749982, MONDO:0008570, OMIM 188580.
Congenital myopathy 18. Also called: Myopathy, congenital, due to dihydropyridine receptor defect; DIHYDROPYRIDINE RECEPTOR CONGENITAL MYOPATHY; DHPR CONGENITAL MYOPATHY. Identifiers: MedGen C5830283, MONDO:0859514, OMIM 620246.

Allele frequency attached by ClinVar (database versions not stated): TOPMed below 0.00001; gnomAD exomes 0.00001.
gnomAD v4.1: 4 of 1,614,000 alleles (0.00025%); highest among the groups gnomAD compares: East Asian, 0.0089%; no homozygotes.

Submissions (3):

GeneDx
Classification: Uncertain significance. Last evaluated: 2024-12-11. Review status: criteria provided, single submitter. Criteria: GeneDx Variant Classification Process June 2021. Collection method: clinical testing. Allele origin: germline. Affected: yes.
Comment: Not observed at significant frequency in large population cohorts (gnomAD); In silico analysis supports that this missense variant has a deleterious effect on protein structure/function; Has not been previously published as pathogenic or benign to our knowledge

Fulgent Genetics
Classification: Uncertain significance for Hypokalemic periodic paralysis, type 1; Thyrotoxic periodic paralysis, susceptibility to, 1; Malignant hyperthermia, susceptibility to, 5; Congenital myopathy 18. Last evaluated: 2024-03-24. Review status: criteria provided, single submitter. Criteria: ACMG Guidelines, 2015. Collection method: clinical testing. Allele origin: germline.

Labcorp Genetics (formerly Invitae), Labcorp
Classification: Uncertain significance for Hypokalemic periodic paralysis, type 1; Malignant hyperthermia, susceptibility to, 5. Last evaluated: 2022-11-01. Review status: criteria provided, single submitter. Criteria: Invitae Variant Classification Sherloc (09022015). Collection method: clinical testing. Allele origin: germline.
Comment: In summary, the available evidence is currently insufficient to determine the role of this variant in disease. Therefore, it has been classified as a Variant of Uncertain Significance. Advanced modeling of protein sequence and biophysical properties (such as structural, functional, and spatial information, amino acid conservation, physicochemical variation, residue mobility, and thermodynamic stability) performed at Invitae indicates that this missense variant is not expected to disrupt CACNA1S protein function. This variant is present in population databases (no rsID available, gnomAD 0.006%). This sequence change replaces asparagine, which is neutral and polar, with serine, which is neutral and polar, at codon 1303 of the CACNA1S protein (p.Asn1303Ser). This variant has not been reported in the literature in individuals affected with CACNA1S-related conditions.